The following is an entry in ClinVar:

ClinVar aggregate classification (germline): Likely benign (1 of 4 stars; one submission).

Conditions:
MYH9-related disorder. Identifiers: MedGen C1854520.

Submission:

PreventionGenetics, part of Exact Sciences
Classification: Likely benign for MYH9-related condition. Last evaluated: 2026-06-15. Review status: criteria provided, single submitter. Criteria: ACMG Guidelines, 2015. Collection method: clinical testing. Allele origin: germline.
Comment: This variant is classified as likely benign based on ACMG/AMP sequence variant interpretation guidelines (Richards et al. 2015 PMID: 25741868, with internal and published modifications).

NM_002473.6(MYH9):c.267C>A (p.Leu89=)

Gene: MYH9 (myosin heavy chain 9; minus strand). Cytogenetic location: 22q12.3.
Variant type: single nucleotide variant.
Coding change: c.267C>A on transcript NM_002473.6 (MANE Select); coding-DNA position 267, C replaced by A.
Protein change: p.Leu89=; no amino-acid change (leucine 89 retained).
Molecular consequence: synonymous variant.
Genome position (GRCh38, 1-based): chr22:36,348,970, G>T on the plus strand (C>A on the coding strand, the complement: MYH9 is on the minus strand). VCF-style: chr22-36348970-G-T. GRCh37 (hg19) VCF-style: chr22-36745015-G-T.
Identifiers: ClinVar variation 4996099 (VCV004996099.1).
Genomic context (GRCh38, chr22:36,348,970, plus strand): 5'-GAGCCCTGAGTAGTAACGCTCCTTGAGGTTGTGCAGCACCGAGGCTTCGTTGAGGCACGT[G>T]AGCTCTGCCATGTCCTCCACCTTGGAGAACTTGGGCGGGTTCATCTTCTGGATGTCATCC-3'
Protein context (NP_002464.1, residues 79-99): KFSKVEDMAE[Leu89=]TCLNEASVLH